The following is an entry in ClinVar:

ClinVar aggregate classification (germline): Uncertain significance (1 of 4 stars; one submission).

Submission:

Women's Health and Genetics/Laboratory Corporation of America, LabCorp
Classification: Uncertain significance. Last evaluated: 2025-11-28. Review status: criteria provided, single submitter. Criteria: LabCorp Variant Classification Summary - May 2015. Collection method: clinical testing. Allele origin: germline.
Comment: Variant summary: TUBB1 c.173A>G (p.Lys58Arg) results in a conservative amino acid change in the encoded protein sequence. Algorithms developed to predict the effect of missense changes on protein structure and function are either unavailable or do not agree on the potential impact of this missense change. The variant was absent in 251496 control chromosomes. The available data on variant occurrences in the general population are insufficient to allow any conclusion about variant significance. To our knowledge, no occurrence of c.173A>G in individuals affected with TUBB1-related conditions and no experimental evidence demonstrating its impact on protein function have been reported. No submitters have cited clinical-significance assessments for this variant to ClinVar. Based on the evidence outlined above, the variant was classified as uncertain significance.

NM_030773.4(TUBB1):c.173A>G (p.Lys58Arg)

Gene: TUBB1 (tubulin beta 1 class VI; plus strand). Cytogenetic location: 20q13.32.
Variant type: single nucleotide variant.
Coding change: c.173A>G on transcript NM_030773.4 (MANE Select); coding-DNA position 173, A replaced by G.
Protein change: p.Lys58Arg; replaces lysine 58 with arginine.
Molecular consequence: missense variant.
Genome position (GRCh38, 1-based): chr20:59,023,496, A>G. VCF-style: chr20-59023496-A-G. GRCh37 (hg19) VCF-style: chr20-57598551-A-G.
Other names: short protein forms K58R.
Identifiers: ClinVar variation 4537222 (VCV004537222.1).
Genomic context (GRCh38, chr20:59,023,496, plus strand): 5'-ACATTAACTTTTAGAAAAACAAGTAGGCTGACTTTTTCCTATTTTTCTACACAGGTAGGA[A>G]ATATGTGCCCCGAGCAGTCTTGGTGGACCTAGAACCTGGGACGATGGACAGCATTCGATC-3'
Protein context (NP_110400.1, residues 48-68): SVYYNEAYGR[Lys58Arg]YVPRAVLVDL